The following is an entry in ClinVar:

NM_014244.5(ADAMTS2):c.2210G>T (p.Gly737Val)

Gene: ADAMTS2 (ADAM metallopeptidase with thrombospondin type 1 motif 2; minus strand). Cytogenetic location: 5q35.3.
Variant type: single nucleotide variant.
Coding change: c.2210G>T on transcript NM_014244.5 (MANE Select); coding-DNA position 2210, G replaced by T.
Protein change: p.Gly737Val; replaces glycine 737 with valine.
Molecular consequence: missense variant.
Genome position (GRCh38, 1-based): chr5:179,132,310, C>A on the plus strand (G>T on the coding strand, the complement: ADAMTS2 is on the minus strand). VCF-style: chr5-179132310-C-A. GRCh37 (hg19) VCF-style: chr5-178559311-C-A.
Other names: short protein forms G737V.
Identifiers: ClinVar variation 2151370 (VCV002151370.4), dbSNP rs868326222, ClinGen allele CA362425053.

ClinVar aggregate classification (germline): Uncertain significance (1 of 4 stars; one submission).

Conditions:
Ehlers-Danlos syndrome, dermatosparaxis type. Also called: Dermatosparaxis; Ehlers-Danlos syndrome, type VII, autosomal recessive; EDS VIIC. Identifiers: Orphanet 1901, MedGen C2700425, MONDO:0009161, OMIM 225410.

gnomAD v4.1: 4 of 1,614,048 alleles (0.00025%); highest among the groups gnomAD compares: African/African-American, 0.0013%; no homozygotes.

Submission:

Labcorp Genetics (formerly Invitae), Labcorp
Classification: Uncertain significance for Ehlers-Danlos syndrome, dermatosparaxis type. Last evaluated: 2022-06-20. Review status: criteria provided, single submitter. Criteria: Invitae Variant Classification Sherloc (09022015). Collection method: clinical testing. Allele origin: germline.
Comment: In summary, the available evidence is currently insufficient to determine the role of this variant in disease. Therefore, it has been classified as a Variant of Uncertain Significance. Algorithms developed to predict the effect of sequence changes on RNA splicing suggest that this variant may disrupt the consensus splice site. Algorithms developed to predict the effect of missense changes on protein structure and function are either unavailable or do not agree on the potential impact of this missense change (SIFT: "Deleterious"; PolyPhen-2: "Benign"; Align-GVGD: "Class C15"). This variant has not been reported in the literature in individuals affected with ADAMTS2-related conditions. This variant is not present in population databases (gnomAD no frequency). This sequence change replaces glycine, which is neutral and non-polar, with valine, which is neutral and non-polar, at codon 737 of the ADAMTS2 protein (p.Gly737Val).